The following is an entry in ClinVar:

NM_014249.4(NR2E3):c.30del (p.Ser11fs)

Gene: NR2E3 (nuclear receptor subfamily 2 group E member 3; plus strand). Cytogenetic location: 15q23.
Variant type: Deletion.
Coding change: c.30del on transcript NM_014249.4 (MANE Select); coding-DNA position 30, one base deleted (C; older notation c.30delC).
Protein change: p.Ser11fs; shifts the reading frame from serine 11.
Molecular consequence: frameshift variant.
Genome position (GRCh38, 1-based): chr15:71,810,773, C deleted. VCF-style (leftmost placement, unchanged base first): chr15-71810772-GC-G. GRCh37 (hg19) VCF-style: chr15-72103112-GC-G.
Other names: c.30del, p.Ser11fs (NM_016346.4); short protein forms S11fs.
Identifiers: ClinVar variation 959947 (VCV000959947.7), dbSNP rs2054171715, ClinGen allele CA1139664055.
Genomic context (GRCh38, chr15:71,810,772, plus strand): 5'-CCCGCAGGCAGGCAGAGGCTGCCCTGTAACCCATGGAGACCAGACCAACAGCTCTGATGA[GC>G]TCCACAGTGGCTGCAGCTGCGCCTGCAGCTGGGGCTGCCTCCAGGAAGGAGTCTCCAGGC-3'

ClinVar aggregate classification (germline): Pathogenic (1 of 4 stars; one submission).

Submission:

Labcorp Genetics (formerly Invitae), Labcorp
Classification: Pathogenic. Last evaluated: 2022-02-03. Review status: criteria provided, single submitter. Criteria: Invitae Variant Classification Sherloc (09022015). Collection method: clinical testing. Allele origin: germline.
Comment: For these reasons, this variant has been classified as Pathogenic. ClinVar contains an entry for this variant (Variation ID: 959947). This variant has not been reported in the literature in individuals affected with NR2E3-related conditions. This variant is not present in population databases (gnomAD no frequency). This sequence change creates a premature translational stop signal (p.Ser11Profs*31) in the NR2E3 gene. It is expected to result in an absent or disrupted protein product. Loss-of-function variants in NR2E3 are known to be pathogenic (PMID: 15459973, 27522502).

Literature cited by the submitters: PubMed 15459973; PubMed 27522502.